The following is an entry in ClinVar:

NM_006767.4(LZTR1):c.2325+1G>C

Gene: LZTR1 (leucine zipper like post translational regulator 1; plus strand). Cytogenetic location: 22q11.21.
Variant type: single nucleotide variant.
Coding change: c.2325+1G>C on transcript NM_006767.4 (MANE Select); the canonical splice donor site of the intron after coding-DNA position 2325, G replaced by C.
Molecular consequence: splice donor variant.
Genome position (GRCh38, 1-based): chr22:20,996,802, G>C. VCF-style: chr22-20996802-G-C. GRCh37 (hg19) VCF-style: chr22-21351091-G-C.
Identifiers: ClinVar variation 2042378 (VCV002042378.8), dbSNP rs1263566071, ClinGen allele CA410780950.

ClinVar aggregate classification (germline): Pathogenic/Likely pathogenic. Review status: criteria provided, multiple submitters, no conflicts (2 of 4 stars). 2 submissions from 2 submitters: Pathogenic (1); Likely pathogenic (1). Last evaluated 2025-12-05.

Conditions:
Cardiovascular phenotype. Identifiers: MedGen CN230736.
Hereditary cancer-predisposing syndrome. Also called: Neoplastic Syndromes, Hereditary; Hereditary Cancer Syndrome; Hereditary neoplastic syndrome; Tumor predisposition. Identifiers: Orphanet 140162, MedGen C0027672, MeSH D009386, MONDO:0015356.

gnomAD v4.1: 1 of 1,613,594 alleles (0.000062%); highest among the groups gnomAD compares: Non-Finnish European, 0.000085%; no homozygotes.

Submissions (2):

Ambry Genetics
Classification: Likely pathogenic for Cardiovascular phenotype; Hereditary cancer-predisposing syndrome. Last evaluated: 2025-12-05. Review status: criteria provided, single submitter. Criteria: Ambry Variant Classification Scheme 2023. Collection method: clinical testing. Allele origin: germline.
Comment: The c.2325+1G>C intronic variant results from a G to C substitution one nucleotide after coding exon 19 of the LZTR1 gene. This nucleotide position is highly conserved in available vertebrate species. Other variant(s) impacting the same donor site (c.2325+1G>A) have been identified in trans with a second LZTR1 mutation in an individual(s) with features consistent with Noonan syndrome (Johnston JJ et al. Genet Med, 2018 Oct;20:1175-1185). In silico splice site analysis predicts that this alteration will weaken the native splice donor site; however, direct evidence is insufficient at this time (Ambry internal data). Alterations that disrupt the canonical splice site are expected to cause aberrant splicing, resulting in an abnormal protein or a transcript that is subject to nonsense-mediated mRNA decay. Loss-of-function variants in LZTR1 are related to an increased risk for schwannomas and autosomal recessive Noonan syndrome; however, such associations with autosomal dominant Noonan syndrome have not been observed (Piotrowski A et al. Nat Genet. 2014 Feb;46:182-7; Yamamoto GL et al. J Med Genet. 2015 Jun;52:413-21; Johnston JJ et al. Genet Med. 2018 10;20:1175-1185). Based on the supporting evidence, this variant is likely pathogenic for an increased risk of LZTR1-related schwannomatosis (SWN) and would be expected to cause autosomal recessive Noonan syndrome when present along with a second pathogenic or likely pathogenic variant on the other allele; however, the association of this alteration with autosomal dominant Noonan syndrome is unlikely.

Labcorp Genetics (formerly Invitae), Labcorp
Classification: Pathogenic. Last evaluated: 2024-08-31. Review status: criteria provided, single submitter. Criteria: Invitae Variant Classification Sherloc (09022015). Collection method: clinical testing. Allele origin: germline.
Comment: This sequence change affects a donor splice site in intron 19 of the LZTR1 gene. It is expected to disrupt RNA splicing. Variants that disrupt the donor or acceptor splice site typically lead to a loss of protein function (PMID: 16199547), and loss-of-function variants in LZTR1 are known to be pathogenic (PMID: 24362817, 25335493, 25480913, 25795793, 29469822, 30368668, 30442762, 30442766, 30481304, 30859559). This variant is present in population databases (no rsID available, gnomAD 0.01%). Disruption of this splice site has been observed in individual(s) with Noonan syndrome (PMID: 29469822). In at least one individual the data is consistent with being in trans (on the opposite chromosome) from a pathogenic variant. ClinVar contains an entry for this variant (Variation ID: 2042378). Algorithms developed to predict the effect of sequence changes on RNA splicing suggest that this variant may disrupt the consensus splice site. For these reasons, this variant has been classified as Pathogenic.

Literature cited by the submitters: PubMed 16199547 (cited by Labcorp Genetics (formerly Invitae), Labcorp); PubMed 24362817 (cited by Labcorp Genetics (formerly Invitae), Labcorp); PubMed 25335493 (cited by Labcorp Genetics (formerly Invitae), Labcorp); PubMed 25480913 (cited by Labcorp Genetics (formerly Invitae), Labcorp); PubMed 25795793 (cited by Labcorp Genetics (formerly Invitae), Labcorp); PubMed 29469822 (cited by Labcorp Genetics (formerly Invitae), Labcorp); PubMed 30368668 (cited by Labcorp Genetics (formerly Invitae), Labcorp); PubMed 30442762 (cited by Labcorp Genetics (formerly Invitae), Labcorp); PubMed 30442766 (cited by Labcorp Genetics (formerly Invitae), Labcorp); PubMed 30481304 (cited by Labcorp Genetics (formerly Invitae), Labcorp); PubMed 30859559 (cited by Labcorp Genetics (formerly Invitae), Labcorp).